The following is an entry in ClinVar:

ClinVar aggregate classification (germline): Conflicting classifications of pathogenicity. Review status: criteria provided, conflicting classifications (1 of 4 stars). 7 submissions from 6 submitters: Uncertain significance (6); Benign (1). Last evaluated 2025-08-08.

Conditions:
Amyotrophic lateral sclerosis type 4 (ALS4). Also called: AMYOTROPHIC LATERAL SCLEROSIS 4, JUVENILE; NEURONOPATHY, DISTAL HEREDITARY MOTOR, WITH PYRAMIDAL FEATURES. Identifiers: Orphanet 357043, MedGen C1865409, MONDO:0011223, OMIM 602433.
Spinocerebellar ataxia, autosomal recessive, with axonal neuropathy 2 (SCAN2). Also called: Ataxia-ocular apraxia-2; Ataxia with Oculomotor Apraxia; Ataxia with Oculomotor Apraxia Type 2; ATAXIA-OCULOMOTOR APRAXIA 2. Identifiers: Orphanet 64753, MedGen C1853761, MONDO:0018996, OMIM 606002.
Inborn genetic diseases. Identifiers: MedGen C0950123, MeSH D030342.

Allele frequency attached by ClinVar (database versions not stated): gnomAD 0.00001 and 0.00002; gnomAD exomes 0.00001 and 0.00002; ExAC 0.00002; TOPMed 0.00005.
gnomAD v4.1: 26 of 1,613,956 alleles (0.0016%); highest among the groups gnomAD compares: South Asian, 0.0044%; no homozygotes.

Submissions (7):

Ambry Genetics
Classification: Uncertain significance for Inborn genetic diseases. Last evaluated: 2025-08-08. Review status: criteria provided, single submitter. Criteria: Ambry Variant Classification Scheme 2023. Collection method: clinical testing. Allele origin: germline.

CeGaT Center for Human Genetics Tuebingen
Classification: Uncertain significance. Last evaluated: 2023-09-01. Review status: criteria provided, single submitter. Criteria: CeGaT Center For Human Genetics Tuebingen Variant Classification Criteria Version 2. Collection method: clinical testing. Allele origin: germline. Affected: yes. Observed: 1 variant allele.

GeneDx
Classification: Uncertain significance. Last evaluated: 2023-04-04. Review status: criteria provided, single submitter. Criteria: GeneDx Variant Classification Process June 2021. Collection method: clinical testing. Allele origin: germline. Affected: yes.
Comment: In silico analysis supports that this missense variant does not alter protein structure/function; Has not been previously published as pathogenic or benign to our knowledge

Genome-Nilou Lab
Classification: Uncertain significance for Spinocerebellar ataxia, autosomal recessive, with axonal neuropathy 2. Last evaluated: 2023-02-08. Review status: criteria provided, single submitter. Criteria: ACMG Guidelines, 2015. Collection method: clinical testing. Allele origin: germline.

Genome-Nilou Lab
Classification: Uncertain significance for Amyotrophic lateral sclerosis type 4. Last evaluated: 2023-02-08. Review status: criteria provided, single submitter. Criteria: ACMG Guidelines, 2015. Collection method: clinical testing. Allele origin: germline.

Labcorp Genetics (formerly Invitae), Labcorp
Classification: Benign for Amyotrophic lateral sclerosis type 4; Spinocerebellar ataxia, autosomal recessive, with axonal neuropathy 2. Last evaluated: 2022-12-06. Review status: criteria provided, single submitter. Criteria: Invitae Variant Classification Sherloc (09022015). Collection method: clinical testing. Allele origin: germline.

Athena Diagnostics
Classification: Uncertain significance. Last evaluated: 2022-01-12. Review status: criteria provided, single submitter. Criteria: Athena Diagnostics Criteria. Collection method: clinical testing. Allele origin: unknown.

NM_015046.7(SETX):c.3040A>G (p.Ile1014Val)

Gene: SETX (senataxin; minus strand). Cytogenetic location: 9q34.13.
Variant type: single nucleotide variant.
Coding change: c.3040A>G on transcript NM_015046.7 (MANE Select); coding-DNA position 3040, A replaced by G.
Protein change: p.Ile1014Val; replaces isoleucine 1014 with valine.
Molecular consequence: missense variant.
Genome position (GRCh38, 1-based): chr9:132,328,558, T>C on the plus strand (A>G on the coding strand, the complement: SETX is on the minus strand). VCF-style: chr9-132328558-T-C. GRCh37 (hg19) VCF-style: chr9-135203945-T-C.
Other names: c.3040A>G, p.Ile1014Val (NM_001351527.2, NM_001351528.2); short protein forms I1014V.
Identifiers: ClinVar variation 642321 (VCV000642321.38), dbSNP rs761243379, ClinGen allele CA5297490.